The following is an entry in ClinVar:

ClinVar aggregate classification (germline): Uncertain significance (1 of 4 stars; one submission).

gnomAD v4.1: 1 of 1,614,018 alleles (0.000062%); highest among the groups gnomAD compares: Non-Finnish European, 0.000085%; no homozygotes.

Submission:

CeGaT Center for Human Genetics Tuebingen
Classification: Uncertain significance. Last evaluated: 2023-02-01. Review status: criteria provided, single submitter. Criteria: CeGaT Center For Human Genetics Tuebingen Variant Classification Criteria Version 2. Collection method: clinical testing. Allele origin: germline. Affected: yes. Observed: 1 variant allele.
Comment: KMT2D: PM2, PP2

NM_003482.4(KMT2D):c.10323G>C (p.Gln3441His)

Gene: KMT2D (lysine methyltransferase 2D; minus strand). Cytogenetic location: 12q13.12.
Variant type: single nucleotide variant.
Coding change: c.10323G>C on transcript NM_003482.4 (MANE Select); coding-DNA position 10323, G replaced by C.
Protein change: p.Gln3441His; replaces glutamine 3441 with histidine.
Molecular consequence: missense variant.
Genome position (GRCh38, 1-based): chr12:49,034,844, C>G on the plus strand (G>C on the coding strand, the complement: KMT2D is on the minus strand). VCF-style: chr12-49034844-C-G. GRCh37 (hg19) VCF-style: chr12-49428627-C-G.
Other names: short protein forms Q3441H.
Identifiers: ClinVar variation 2642945 (VCV002642945.24), dbSNP rs1592124511, ClinGen allele CA384729506.